The following is an entry in ClinVar:

ClinVar aggregate classification (germline): Uncertain significance. Review status: criteria provided, multiple submitters, no conflicts (2 of 4 stars). 2 submissions from 2 submitters: Uncertain significance (2). Last evaluated 2026-07-24.

Conditions:
Hereditary cancer-predisposing syndrome. Also called: Hereditary Cancer Syndrome; Hereditary neoplastic syndrome; Neoplastic Syndromes, Hereditary; Tumor predisposition. Identifiers: Orphanet 140162, MedGen C0027672, MeSH D009386, MONDO:0015356.
Gorlin syndrome. Also called: Nevoid Basal Cell Carcinoma Syndrome; Basal cell nevus syndrome. Identifiers: Orphanet 377, MedGen C0004779, MONDO:0007187.
Medulloblastoma (MDB). Also called: Medulloblastoma, somatic; MEDULLOBLASTOMA PREDISPOSITION SYNDROME. Identifiers: Orphanet 616, MedGen C0025149, MeSH D008527, MONDO:0007959, OMIM 155255, HP:0002885.

Submissions (2):

Ambry Genetics
Classification: Uncertain significance for Hereditary cancer-predisposing syndrome. Last evaluated: 2026-07-24. Review status: criteria provided, single submitter. Criteria: Ambry Variant Classification Scheme 2023. Collection method: clinical testing. Allele origin: germline.
Comment: The p.P281A variant (also known as c.841C>G), located in coding exon 7 of the SUFU gene, results from a C to G substitution at nucleotide position 841. The proline at codon 281 is replaced by alanine, an amino acid with highly similar properties. This amino acid position is conserved. In addition, this alteration is predicted to be tolerated by in silico analysis. Based on the available evidence, the clinical significance of this variant remains unclear.

Labcorp Genetics (formerly Invitae), Labcorp
Classification: Uncertain significance for Gorlin syndrome; Medulloblastoma. Last evaluated: 2023-07-19. Review status: criteria provided, single submitter. Criteria: Invitae Variant Classification Sherloc (09022015). Collection method: clinical testing. Allele origin: germline.
Comment: In summary, the available evidence is currently insufficient to determine the role of this variant in disease. Therefore, it has been classified as a Variant of Uncertain Significance. Advanced modeling of protein sequence and biophysical properties (such as structural, functional, and spatial information, amino acid conservation, physicochemical variation, residue mobility, and thermodynamic stability) performed at Invitae indicates that this missense variant is not expected to disrupt SUFU protein function. This variant has not been reported in the literature in individuals affected with SUFU-related conditions. This variant is not present in population databases (gnomAD no frequency). This sequence change replaces proline, which is neutral and non-polar, with alanine, which is neutral and non-polar, at codon 281 of the SUFU protein (p.Pro281Ala).

NM_016169.4(SUFU):c.841C>G (p.Pro281Ala)

Gene: SUFU (SUFU negative regulator of hedgehog signaling; plus strand). Cytogenetic location: 10q24.32.
Variant type: single nucleotide variant.
Coding change: c.841C>G on transcript NM_016169.4 (MANE Select); coding-DNA position 841, C replaced by G.
Protein change: p.Pro281Ala; replaces proline 281 with alanine.
Molecular consequence: missense variant.
Genome position (GRCh38, 1-based): chr10:102,597,224, C>G. VCF-style: chr10-102597224-C-G. GRCh37 (hg19) VCF-style: chr10-104356981-C-G.
Other names: c.841C>G, p.Pro281Ala (NM_001178133.2); short protein forms P281A.
Identifiers: ClinVar variation 2950046 (VCV002950046.4), dbSNP rs2063471841, ClinGen allele CA377910582.